The following is an entry in ClinVar:

NM_000059.4(BRCA2):c.2476G>A (p.Glu826Lys)

Gene: BRCA2 (BRCA2 DNA repair associated; plus strand). Cytogenetic location: 13q13.1.
Variant type: single nucleotide variant.
Coding change: c.2476G>A on transcript NM_000059.4 (MANE Select); coding-DNA position 2476, G replaced by A.
Protein change: p.Glu826Lys; replaces glutamic acid 826 with lysine.
Molecular consequence: missense variant.
Genome position (GRCh38, 1-based): chr13:32,336,831, G>A. VCF-style: chr13-32336831-G-A. GRCh37 (hg19) VCF-style: chr13-32910968-G-A.
Other names: short protein forms E826K.
Identifiers: ClinVar variation 573072 (VCV000573072.21), dbSNP rs1566226803, ClinGen allele CA387772372.

ClinVar aggregate classification (germline): Conflicting classifications of pathogenicity. Review status: criteria provided, conflicting classifications (1 of 4 stars). 5 submissions from 5 submitters: Uncertain significance (4); Likely benign (1). Last evaluated 2025-11-09.

Conditions:
Hereditary breast ovarian cancer syndrome. Also called: BRCA1- and BRCA2-Associated Hereditary Breast and Ovarian Cancer; Hereditary breast and ovarian cancer; Hereditary breast and/or ovarian cancer syndrome; Hereditary breast and ovarian cancer syndrome; Hereditary breast and ovarian cancer syndrome (HBOC); Breast and ovarian cancer. Identifiers: Orphanet 145, MedGen C0677776, MeSH D061325, MONDO:0003582. Disease mechanism: loss of function.
Hereditary cancer-predisposing syndrome. Also called: Neoplastic Syndromes, Hereditary; Hereditary Cancer Syndrome; Tumor predisposition; Hereditary neoplastic syndrome. Identifiers: Orphanet 140162, MedGen C0027672, MeSH D009386, MONDO:0015356.

Submissions (5):

Labcorp Genetics (formerly Invitae), Labcorp
Classification: Uncertain significance for Hereditary breast ovarian cancer syndrome. Last evaluated: 2025-11-09. Review status: criteria provided, single submitter. Criteria: Invitae Variant Classification Sherloc (09022015). Collection method: clinical testing. Allele origin: germline.
Comment: This sequence change replaces glutamic acid, which is acidic and polar, with lysine, which is basic and polar, at codon 826 of the BRCA2 protein (p.Glu826Lys). This variant is not present in population databases (gnomAD no frequency). This variant has not been reported in the literature in individuals affected with BRCA2-related conditions. ClinVar contains an entry for this variant (Variation ID: 573072). Invitae Evidence Modeling of protein sequence and biophysical properties (such as structural, functional, and spatial information, amino acid conservation, physicochemical variation, residue mobility, and thermodynamic stability) indicates that this missense variant is not expected to disrupt BRCA2 protein function with a negative predictive value of 95%. In summary, the available evidence is currently insufficient to determine the role of this variant in disease. Therefore, it has been classified as a Variant of Uncertain Significance.

Ambry Genetics
Classification: Uncertain significance for Hereditary cancer-predisposing syndrome. Last evaluated: 2025-08-23. Review status: criteria provided, single submitter. Criteria: Ambry Variant Classification Scheme 2023. Collection method: clinical testing. Allele origin: germline.
Comment: The p.E826K variant (also known as c.2476G>A), located in coding exon 10 of the BRCA2 gene, results from a G to A substitution at nucleotide position 2476. The glutamic acid at codon 826 is replaced by lysine, an amino acid with similar properties. This amino acid position is not well conserved in available vertebrate species. In addition, the in silico prediction for this alteration is inconclusive. Since supporting evidence is limited at this time, the clinical significance of this alteration remains unclear.

University of Washington Department of Laboratory Medicine, University of Washington
Classification: Likely benign for Hereditary cancer-predisposing syndrome. Last evaluated: 2023-03-23. Review status: criteria provided, single submitter. Criteria: Dines et al. (Genet Med. 2020). Collection method: curation. Allele origin: germline.
Comment: Missense variant in a coldspot region where missense variants are very unlikely to be pathogenic (PMID:31911673).

BRCA2 exon 11 coldspot. Reclassification based on statistical prior probability.

Women's Health and Genetics/Laboratory Corporation of America, LabCorp
Classification: Uncertain significance. Last evaluated: 2019-07-03. Review status: criteria provided, single submitter. Criteria: LabCorp Variant Classification Summary - May 2015. Collection method: clinical testing. Allele origin: germline.
Comment: Variant summary: BRCA2 c.2476G>A (p.Glu826Lys) results in a conservative amino acid change in the encoded protein sequence. Four of five in-silico tools predict a benign effect of the variant on protein function. The variant was absent in 239098 control chromosomes (gnomAD). The available data on variant occurrences in the general population are insufficient to allow any conclusion about variant significance. To our knowledge, no occurrence of c.2476G>A in individuals affected with Hereditary Breast and Ovarian Cancer and no experimental evidence demonstrating its impact on protein function have been reported. A ClinVar submissions (evaluation after 2014) cites the variant as uncertian significance. Based on the evidence outlined above, the variant was classified as uncertain significance.

Color Diagnostics, LLC DBA Color Health
Classification: Uncertain significance for Hereditary cancer-predisposing syndrome. Last evaluated: 2019-06-19. Review status: criteria provided, single submitter. Criteria: ACMG Guidelines, 2015. Collection method: clinical testing. Allele origin: germline.